The following is an entry in ClinVar:

NM_000535.7(PMS2):c.1186A>C (p.Met396Leu)

Gene: PMS2 (PMS1 homolog 2, mismatch repair system component; minus strand). Cytogenetic location: 7p22.1.
Variant type: single nucleotide variant.
Coding change: c.1186A>C on transcript NM_000535.7 (MANE Select); coding-DNA position 1186, A replaced by C.
Protein change: p.Met396Leu; replaces methionine 396 with leucine.
Molecular consequence: missense variant. On other transcripts: non-coding transcript variant (1).
Genome position (GRCh38, 1-based): chr7:5,987,579, T>G on the plus strand (A>C on the coding strand, the complement: PMS2 is on the minus strand). VCF-style: chr7-5987579-T-G. GRCh37 (hg19) VCF-style: chr7-6027210-T-G.
Other names: c.781A>C, p.Met261Leu (NM_001018040.1, NM_001322003.2, NM_001322004.2 and 17 more transcripts); c.1030A>C, p.Met344Leu (NM_001322006.2, NM_001406870.1); c.868A>C, p.Met290Leu (NM_001322007.2, NM_001322008.2, NM_001406876.1 and 2 more transcripts); c.625A>C, p.Met209Leu (NM_001322010.2, NM_001406906.1, NM_001406907.1); c.253A>C, p.Met85Leu (NM_001322011.2, NM_001322012.2); c.613A>C, p.Met205Leu (NM_001322013.2, NM_001406909.1); c.1186A>C, p.Met396Leu (NM_001322014.2, NM_001406871.1, NM_001406872.1); c.877A>C, p.Met293Leu (NM_001322015.2, NM_001406875.1, NM_001406877.1 and 5 more transcripts); and 12 more; short protein forms M209L, M274L, M360L, M396L, M85L, M139L, M205L, M225L.
Identifiers: ClinVar variation 2049656 (VCV002049656.5), dbSNP rs863224675, ClinGen allele CA366742613.

ClinVar aggregate classification (germline): Conflicting classifications of pathogenicity. Review status: criteria provided, conflicting classifications (1 of 4 stars). 2 submissions from 2 submitters: Uncertain significance (1); Likely benign (1). Last evaluated 2026-07-25.

Conditions:
Hereditary nonpolyposis colorectal neoplasms. Identifiers: MedGen C0009405, MeSH D003123.
Hereditary cancer-predisposing syndrome. Also called: Hereditary neoplastic syndrome; Neoplastic Syndromes, Hereditary; Tumor predisposition; Hereditary Cancer Syndrome. Identifiers: Orphanet 140162, MedGen C0027672, MeSH D009386, MONDO:0015356.

Submissions (2):

Ambry Genetics
Classification: Likely benign for Hereditary cancer-predisposing syndrome. Last evaluated: 2026-07-25. Review status: criteria provided, single submitter. Criteria: Ambry Variant Classification Scheme 2023. Collection method: clinical testing. Allele origin: germline.

Labcorp Genetics (formerly Invitae), Labcorp
Classification: Uncertain significance for Hereditary nonpolyposis colorectal neoplasms. Last evaluated: 2023-06-03. Review status: criteria provided, single submitter. Criteria: Invitae Variant Classification Sherloc (09022015). Collection method: clinical testing. Allele origin: germline.
Comment: In summary, the available evidence is currently insufficient to determine the role of this variant in disease. Therefore, it has been classified as a Variant of Uncertain Significance. Advanced modeling of protein sequence and biophysical properties (such as structural, functional, and spatial information, amino acid conservation, physicochemical variation, residue mobility, and thermodynamic stability) performed at Invitae indicates that this missense variant is not expected to disrupt PMS2 protein function. ClinVar contains an entry for this variant (Variation ID: 2049656). This variant has not been reported in the literature in individuals affected with PMS2-related conditions. This variant is not present in population databases (gnomAD no frequency). This sequence change replaces methionine, which is neutral and non-polar, with leucine, which is neutral and non-polar, at codon 396 of the PMS2 protein (p.Met396Leu).